The following is an entry in ClinVar:

NM_001034850.3(RETREG1):c.1000+4T>C

Gene: RETREG1 (reticulophagy regulator 1; minus strand). Cytogenetic location: 5p15.1.
Variant type: single nucleotide variant.
Coding change: c.1000+4T>C on transcript NM_001034850.3 (MANE Select); 4 bases into the intron after coding-DNA position 1000, T replaced by C.
Molecular consequence: intron variant.
Genome position (GRCh38, 1-based): chr5:16,477,658, A>G on the plus strand (T>C on the coding strand, the complement: RETREG1 is on the minus strand). VCF-style: chr5-16477658-A-G. GRCh37 (hg19) VCF-style: chr5-16477767-A-G.
Other names: c.577+4T>C (NM_019000.5).
Identifiers: ClinVar variation 1474118 (VCV001474118.3), dbSNP rs2126510443, ClinGen allele CA2573138554.
Genomic context (GRCh38, chr5:16,477,658, plus strand): 5'-GACAGAAGTTCAATAGTTTTGTATGCACTCATAAAAATAAATGTCTCCAGAAATATTAGC[A>G]TACCATCAGAAGTGTCTGTCTGTGGAGTGTATCCTTCTGAAAGGTTGAAGGTCCCATTAT-3'

ClinVar aggregate classification (germline): Uncertain significance (1 of 4 stars; one submission).

Allele frequency attached by ClinVar (database versions not stated): gnomAD exomes below 0.00001.
gnomAD v4.1: 1 of 1,612,770 alleles (0.000062%); highest among the groups gnomAD compares: Non-Finnish European, 0.000085%; no homozygotes.

Submission:

Labcorp Genetics (formerly Invitae), Labcorp
Classification: Uncertain significance. Last evaluated: 2021-07-31. Review status: criteria provided, single submitter. Criteria: Invitae Variant Classification Sherloc (09022015). Collection method: clinical testing. Allele origin: germline.
Comment: This sequence change falls in intron 8 of the RETREG1 gene. It does not directly change the encoded amino acid sequence of the RETREG1 protein. It affects a nucleotide within the consensus splice site of the intron. This variant is not present in population databases (ExAC no frequency). This variant has not been reported in the literature in individuals affected with RETREG1-related conditions. Nucleotide substitutions within the consensus splice site are a relatively common cause of aberrant splicing (PMID: 17576681, 9536098). Algorithms developed to predict the effect of sequence changes on RNA splicing suggest that this variant is not likely to affect RNA splicing. In summary, the available evidence is currently insufficient to determine the role of this variant in disease. Therefore, it has been classified as a Variant of Uncertain Significance.

Literature cited by the submitters: PubMed 17576681; PubMed 9536098.